The following is an entry in ClinVar:

NM_018897.3(DNAH7):c.7741G>A (p.Val2581Ile)

Genes: DNAH7 (dynein axonemal heavy chain 7; minus strand), LOC126806457 (BRD4-independent group 4 enhancer GRCh37_chr2:196722945-196724144; plus strand). Cytogenetic location: 2q32.3.
Variant type: single nucleotide variant.
Coding change: c.7741G>A on transcript NM_018897.3 (MANE Select); coding-DNA position 7741, G replaced by A.
Protein change: p.Val2581Ile; replaces valine 2581 with isoleucine.
Molecular consequence: missense variant.
Genome position (GRCh38, 1-based): chr2:195,858,800, C>T on the plus strand (G>A on the coding strand, the complement: DNAH7 is on the minus strand). VCF-style: chr2-195858800-C-T. GRCh37 (hg19) VCF-style: chr2-196723524-C-T.
Other names: short protein forms V2581I.
Identifiers: ClinVar variation 732360 (VCV000732360.5), dbSNP rs116024781, ClinGen allele CA2034783.

ClinVar aggregate classification (germline): Benign. Review status: criteria provided, multiple submitters, no conflicts (2 of 4 stars). 3 submissions from 3 submitters: Benign (2). 1 of the submissions does not count toward it. Last evaluated 2018-02-20.

Conditions:
DNAH7-related disorder. Also called: DNAH7-related condition.

Allele frequency attached by ClinVar (database versions not stated): gnomAD exomes 0.00068 and 0.00201; ExAC 0.00251; gnomAD 0.00696 and 0.00731; ESP Exome Variant Server 0.00758; TOPMed 0.00768; 1000 Genomes Project 0.00938; 1000 Genomes Project 30x 0.00999.
gnomAD v4.1: 2,093 of 1,603,280 alleles (0.13%); highest among the groups gnomAD compares: African/African-American, 2.3%; 18 homozygotes.

Submissions (3):

Labcorp Genetics (formerly Invitae), Labcorp
Classification: Benign. Last evaluated: 2018-02-20. Review status: criteria provided, single submitter. Criteria: Invitae Variant Classification Sherloc (09022015). Collection method: clinical testing. Allele origin: germline.

Breakthrough Genomics
Classification: Benign. Review status: criteria provided, single submitter. Criteria: ACMG Guidelines, 2015. Collection method: not provided. Allele origin: germline. Inheritance: Unknown mechanism. Affected: yes.

PreventionGenetics, part of Exact Sciences
Classification: Benign for DNAH7-related condition. Last evaluated: 2024-07-29. Review status: no assertion criteria provided. Collection method: clinical testing. Allele origin: germline. Not counted in ClinVar's aggregate classification.
Comment: This variant is classified as benign based on ACMG/AMP sequence variant interpretation guidelines (Richards et al. 2015 PMID: 25741868, with internal and published modifications).